The following is an entry in ClinVar:

ClinVar aggregate classification (germline): Uncertain significance (1 of 4 stars; one submission).

Submission:

GeneDx
Classification: Uncertain significance. Last evaluated: 2022-03-24. Review status: criteria provided, single submitter. Criteria: GeneDx Variant Classification Process June 2021. Collection method: clinical testing. Allele origin: germline. Affected: yes.
Comment: Not observed at significant frequency in large population cohorts (gnomAD); In silico analysis supports that this missense variant does not alter protein structure/function; Has not been previously published as pathogenic or benign to our knowledge

NM_001348800.3(ZBTB20):c.858C>G (p.Ser286Arg)

Gene: ZBTB20 (zinc finger and BTB domain containing 20; minus strand). Cytogenetic location: 3q13.31.
Variant type: single nucleotide variant.
Coding change: c.858C>G on transcript NM_001348800.3 (MANE Select); coding-DNA position 858, C replaced by G.
Protein change: p.Ser286Arg; replaces serine 286 with arginine.
Molecular consequence: missense variant.
Genome position (GRCh38, 1-based): chr3:114,351,220, G>C on the plus strand (C>G on the coding strand, the complement: ZBTB20 is on the minus strand). VCF-style: chr3-114351220-G-C. GRCh37 (hg19) VCF-style: chr3-114070067-G-C.
Other names: c.858C>G, p.Ser286Arg (NM_001164342.2, NM_001348803.3, NM_001393393.1 and 1 more transcripts); c.639C>G, p.Ser213Arg (NM_001164343.2, NM_001164344.4, NM_001164345.4 and 9 more transcripts); short protein forms S213R, S286R.
Identifiers: ClinVar variation 1707245 (VCV001707245.2), dbSNP rs2550503700, ClinGen allele CA354014024.